The following is an entry in ClinVar:

ClinVar aggregate classification (germline): Uncertain significance (1 of 4 stars; one submission).

Conditions:
UDPglucose-4-epimerase deficiency. Also called: GALACTOSEMIA III; GALE DEFICIENCY; UDP-GALACTOSE-4-EPIMERASE DEFICIENCY; Galactose epimerase deficiency; UDPglucose 4-Epimerase Deficiency Disease; Epimerase Deficiency Galactosemia. Identifiers: Orphanet 352, Orphanet 79238, MedGen C0751161, MONDO:0009257, OMIM 230350.

Allele frequency attached by ClinVar (database versions not stated): gnomAD exomes below 0.00001.
gnomAD v4.1: 1 of 1,152,258 alleles (0.000087%); highest among the groups gnomAD compares: East Asian, 0.0037%; no homozygotes.

Submission:

Labcorp Genetics (formerly Invitae), Labcorp
Classification: Uncertain significance for UDPglucose-4-epimerase deficiency. Last evaluated: 2017-09-28. Review status: criteria provided, single submitter. Criteria: Invitae Variant Classification Sherloc (09022015). Collection method: clinical testing. Allele origin: germline.
Comment: This sequence change falls in intron 10 of the GALE gene. It does not directly change the encoded amino acid sequence of the GALE protein, but it affects a nucleotide within the consensus splice site of the intron. This variant is not present in population databases (ExAC no frequency). This variant has not been reported in the literature in individuals with GALE-related disease. Nucleotide substitutions within the consensus splice site are a relatively common cause of aberrant splicing (PMID: 17576681, 9536098). Algorithms developed to predict the effect of sequence changes on RNA splicing suggest that this variant is not likely to affect RNA splicing, but this prediction has not been confirmed by published transcriptional studies. In summary, the available evidence is currently insufficient to determine the role of this variant in disease. Therefore, it has been classified as a Variant of Uncertain Significance.

NM_001008216.2(GALE):c.873+6C>T

Gene: GALE (UDP-galactose-4-epimerase; minus strand). Cytogenetic location: 1p36.11.
Variant type: single nucleotide variant.
Coding change: c.873+6C>T on transcript NM_001008216.2 (MANE Select); 6 bases into the intron after coding-DNA position 873, C replaced by T.
Molecular consequence: intron variant.
Genome position (GRCh38, 1-based): chr1:23,796,503, G>A on the plus strand (C>T on the coding strand, the complement: GALE is on the minus strand). VCF-style: chr1-23796503-G-A. GRCh37 (hg19) VCF-style: chr1-24122993-G-A.
Other names: c.873+6C>T (NM_000403.4, NM_001127621.2).
Identifiers: ClinVar variation 531730 (VCV000531730.1), dbSNP rs1553130228, ClinGen allele CA658795416.
Genomic context (GRCh38, chr1:23,796,503, plus strand): 5'-AGCTGCTCTGTTGCTGAGAGCTGGGTGGGGTGAGGTGGGTGAGGTGGGTGGGGCGGGGGG[G>A]CCTACCTTCTTCCCAGAGGCCTTCTCCATAGCCTGGACCATCTGCAGCACTGAATAGCCT-3'